The following is an entry in ClinVar:

ClinVar aggregate classification (germline): Uncertain significance (1 of 4 stars; one submission).

Conditions:
Developmental and epileptic encephalopathy, 54. Also called: Epileptic encephalopathy, early infantile, 54; HNRNPU-Related Neurodevelopmental Disorder. Identifiers: MedGen C4479319, MONDO:0033363, OMIM 617391.

Allele frequency attached by ClinVar (database versions not stated): gnomAD 0.00001; 1000 Genomes Project 30x 0.00016; 1000 Genomes Project 0.00020.
gnomAD v4.1: 1 of 1,613,504 alleles (0.000062%); highest among the groups gnomAD compares: Admixed American, 0.0017%; no homozygotes.

Submission:

Labcorp Genetics (formerly Invitae), Labcorp
Classification: Uncertain significance for Developmental and epileptic encephalopathy, 54. Last evaluated: 2024-05-15. Review status: criteria provided, single submitter. Criteria: Invitae Variant Classification Sherloc (09022015). Collection method: clinical testing. Allele origin: germline.
Comment: This sequence change replaces glycine, which is neutral and non-polar, with cysteine, which is neutral and slightly polar, at codon 151 of the HNRNPU protein (p.Gly151Cys). The frequency data for this variant in the population databases is considered unreliable, as metrics indicate poor data quality at this position in the gnomAD database. This variant has not been reported in the literature in individuals affected with HNRNPU-related conditions. ClinVar contains an entry for this variant (Variation ID: 2104230). An algorithm developed to predict the effect of missense changes on protein structure and function (PolyPhen-2) suggests that this variant is likely to be tolerated. In summary, the available evidence is currently insufficient to determine the role of this variant in disease. Therefore, it has been classified as a Variant of Uncertain Significance.

NM_031844.3(HNRNPU):c.451G>T (p.Gly151Cys)

Gene: HNRNPU (heterogeneous nuclear ribonucleoprotein U; minus strand). Cytogenetic location: 1q44.
Variant type: single nucleotide variant.
Coding change: c.451G>T on transcript NM_031844.3 (MANE Select); coding-DNA position 451, G replaced by T.
Protein change: p.Gly151Cys; replaces glycine 151 with cysteine.
Molecular consequence: missense variant.
Genome position (GRCh38, 1-based): chr1:244,863,857, C>A on the plus strand (G>T on the coding strand, the complement: HNRNPU is on the minus strand). VCF-style: chr1-244863857-C-A. GRCh37 (hg19) VCF-style: chr1-245027159-C-A.
Other names: c.451G>T, p.Gly151Cys (NM_004501.3); short protein forms G151C.
Identifiers: ClinVar variation 2104230 (VCV002104230.4), dbSNP rs570495195, ClinGen allele CA1486797.
Genomic context (GRCh38, chr1:244,863,857, plus strand): 5'-GCTGCTGCGTCGCCGGCGGTTGAGGCTGCTGCTCCCCGTGCCCGTTCTCGTCGCCCGCGC[C>A]TTCCTCTTCGTCCCCGAGCTCATCTTCCCCTTCCTGGAAACCCTGATCGTCGCCGTTCTC-3'
Protein context (NP_114032.2, residues 141-161): GEDELGDEEE[Gly151Cys]AGDENGHGEQ